The following is an entry in ClinVar:

NM_000535.7(PMS2):c.2555dup (p.His852fs)

Gene: PMS2 (PMS1 homolog 2, mismatch repair system component; minus strand). Cytogenetic location: 7p22.1.
Variant type: Duplication.
Coding change: c.2555dup on transcript NM_000535.7 (MANE Select); coding-DNA position 2555, one base duplicated (A; older notation c.2555dupA).
Protein change: p.His852fs; shifts the reading frame from histidine 852.
Molecular consequence: frameshift variant. On other transcripts: non-coding transcript variant (1).
Genome position (GRCh38, 1-based): chr7:5,973,433, T duplicated on the plus strand (A on the coding strand, the reverse complement: PMS2 is on the minus strand). VCF-style (leftmost placement, unchanged base first): chr7-5973432-G-GT. GRCh37 (hg19) VCF-style: chr7-6013063-G-GT.
Other names: c.1622dup, p.His541fs (NM_001322011.2, NM_001322012.2); c.1982dup, p.His661fs (NM_001322013.2); c.2588dup, p.His863fs (NM_001322014.2); c.2246dup, p.His749fs (NM_001322015.2); c.2150dup, p.His717fs (NM_001322003.2, NM_001322004.2, NM_001322005.2); c.2399dup, p.His800fs (NM_001322006.2); c.2237dup, p.His746fs (NM_001322007.2, NM_001322008.2); c.2183dup, p.His728fs (NM_001322009.2); and 1 more; short protein forms H746fs, H800fs, H665fs, H749fs, H863fs, H541fs, H852fs, H661fs.
Identifiers: ClinVar variation 1390657 (VCV001390657.6), dbSNP rs2128657099, ClinGen allele CA2573141925.
Genomic context (GRCh38, chr7:5,973,432, plus strand): 5'-ACCAATTATTCCATACAGTGACTACGGTCAGTTCTGAGAAATGACACCCAGGTTGGCGAT[G>GT]TGTCTCATGGTTGGCCTTCCATGGGGACAGTTCCAGGGGTGGTCCATCTCCCCCATGTGG-3'

ClinVar aggregate classification (germline): Uncertain significance (1 of 4 stars; one submission).

Conditions:
Hereditary nonpolyposis colorectal neoplasms. Identifiers: MedGen C0009405, MeSH D003123.

Submission:

Labcorp Genetics (formerly Invitae), Labcorp
Classification: Uncertain significance for Hereditary nonpolyposis colorectal neoplasms. Last evaluated: 2021-11-01. Review status: criteria provided, single submitter. Criteria: Invitae Variant Classification Sherloc (09022015). Collection method: clinical testing. Allele origin: germline.
Comment: This sequence change results in a frameshift in the PMS2 gene (p.His852Glnfs*36). While this is not anticipated to result in nonsense mediated decay, it is expected to disrupt the last 11 amino acid(s) of the PMS2 protein and extend the protein by 24 additional amino acid residues. Experimental studies and prediction algorithms are not available or were not evaluated, and the functional significance of this variant is currently unknown. In summary, the available evidence is currently insufficient to determine the role of this variant in disease. Therefore, it has been classified as a Variant of Uncertain Significance. This frameshift has been observed in individual(s) with clinical features of Lynch syndrome (Invitae). The frequency data for this variant in the population databases (gnomAD) is considered unreliable due to the presence of homologous sequence, such as pseudogenes or paralogs, in the genome.